The following is an entry in ClinVar:

ClinVar aggregate classification (germline): Pathogenic (1 of 4 stars; one submission).

Conditions:
Familial dysautonomia. Also called: HSAN III; FD. Identifiers: Orphanet 1764, MedGen C0013364, MONDO:0009131, OMIM 223900. Disease mechanism: loss of function.

Submission:

Myriad Genetics, Inc.
Classification: Pathogenic for Familial dysautonomia. Last evaluated: 2023-10-05. Review status: criteria provided, single submitter. Criteria: Myriad Autosomal Dominant, Autosomal Recessive and X-Linked Classification Criteria (2023). Collection method: clinical testing. Allele origin: unknown.
Comment: NM_003640.3(ELP1):c.3578C>A(S1193*) is expected to be pathogenic in the context of familial dysautonomia. This variant is predicted to lead to an abnormal or absent protein product due to the creation of a premature termination codon in ELP1, a gene where loss-of-function variants are known to be pathogenic. Please note: this variant was assessed in the context of healthy population screening.

NM_003640.5(ELP1):c.3578C>A (p.Ser1193Ter)

Gene: ELP1 (elongator acetyltransferase complex subunit 1; minus strand). Cytogenetic location: 9q31.3.
Variant type: single nucleotide variant.
Coding change: c.3578C>A on transcript NM_003640.5 (MANE Select); coding-DNA position 3578, C replaced by A.
Protein change: p.Ser1193Ter; replaces serine 1193 with a stop codon.
Molecular consequence: nonsense.
Genome position (GRCh38, 1-based): chr9:108,878,745, G>T on the plus strand (C>A on the coding strand, the complement: ELP1 is on the minus strand). VCF-style: chr9-108878745-G-T. GRCh37 (hg19) VCF-style: chr9-111641025-G-T.
Other names: c.3236C>A, p.Ser1079Ter (NM_001318360.2); c.2531C>A, p.Ser844Ter (NM_001330749.2); short protein forms S1079*, S1193*, S844*.
Identifiers: ClinVar variation 5012364 (VCV005012364.1).
Genomic context (GRCh38, chr9:108,878,745, plus strand): 5'-AGCGGACTGCCTTCTTTGAGGCTGTGCTTCTTCCGCTCCGCTTTTCGGCGATTCTTGGAT[G>T]ATCTCCTGTTAGAAATTACACAGATATTTTTAAGCCTCCTGAGTAGCTAGGACTACAGGC-3'